The following is an entry in ClinVar:

ClinVar aggregate classification (germline): Uncertain significance (1 of 4 stars; one submission).

Conditions:
Gorlin syndrome. Also called: Nevoid Basal Cell Carcinoma Syndrome; Basal cell nevus syndrome. Identifiers: Orphanet 377, MedGen C0004779, MONDO:0007187.

Submission:

Labcorp Genetics (formerly Invitae), Labcorp
Classification: Uncertain significance for Gorlin syndrome. Last evaluated: 2024-10-18. Review status: criteria provided, single submitter. Criteria: Invitae Variant Classification Sherloc (09022015). Collection method: clinical testing. Allele origin: germline.
Comment: This sequence change replaces methionine, which is neutral and non-polar, with leucine, which is neutral and non-polar, at codon 1058 of the PTCH1 protein (p.Met1058Leu). This variant is not present in population databases (gnomAD no frequency). This variant has not been reported in the literature in individuals affected with PTCH1-related conditions. Invitae Evidence Modeling of protein sequence and biophysical properties (such as structural, functional, and spatial information, amino acid conservation, physicochemical variation, residue mobility, and thermodynamic stability) indicates that this missense variant is not expected to disrupt PTCH1 protein function with a negative predictive value of 95%. In summary, the available evidence is currently insufficient to determine the role of this variant in disease. Therefore, it has been classified as a Variant of Uncertain Significance.

NM_000264.5(PTCH1):c.3172A>T (p.Met1058Leu)

Gene: PTCH1 (patched 1; minus strand). Cytogenetic location: 9q22.32.
Variant type: single nucleotide variant.
Coding change: c.3172A>T on transcript NM_000264.5 (MANE Select); coding-DNA position 3172, A replaced by T.
Protein change: p.Met1058Leu; replaces methionine 1058 with leucine.
Molecular consequence: missense variant. On other transcripts: non-coding transcript variant (1).
Genome position (GRCh38, 1-based): chr9:95,456,410, T>A on the plus strand (A>T on the coding strand, the complement: PTCH1 is on the minus strand). VCF-style: chr9-95456410-T-A. GRCh37 (hg19) VCF-style: chr9-98218692-T-A.
Other names: c.2974A>T, p.Met992Leu (NM_001083602.3); c.3169A>T, p.Met1057Leu (NM_001083603.3); c.2719A>T, p.Met907Leu (NM_001083604.3, NM_001083605.3, NM_001083606.3 and 1 more transcripts); c.3016A>T, p.Met1006Leu (NM_001354918.2); short protein forms M1006L, M1058L, M992L, M1057L, M907L.
Identifiers: ClinVar variation 3635840 (VCV003635840.2).